The following is an entry in ClinVar:

ClinVar aggregate classification (germline): Uncertain significance. Review status: criteria provided, multiple submitters, no conflicts (2 of 4 stars). 5 submissions from 5 submitters: Uncertain significance (4). 1 of the submissions does not count toward it. Last evaluated 2025-03-22.

Conditions:
Hereditary cancer-predisposing syndrome. Also called: Neoplastic Syndromes, Hereditary; Hereditary Cancer Syndrome; Hereditary neoplastic syndrome; Tumor predisposition. Identifiers: Orphanet 140162, MedGen C0027672, MeSH D009386, MONDO:0015356.
Ataxia-telangiectasia syndrome (AT). Also called: ATAXIA-TELANGIECTASIA, COMPLEMENTATION GROUP A; ATAXIA-TELANGIECTASIA, FRESNO VARIANT; Ataxia-telangiectasia, complementation group E; Ataxia telangiectasia (A-T); LOUIS-BAR SYNDROME; Cerebello-oculocutaneous telangiectasia. Identifiers: Orphanet 100, MedGen C0004135, MONDO:0008840, OMIM 208900.

Submissions (5):

Quest Diagnostics Nichols Institute San Juan Capistrano
Classification: Uncertain significance. Last evaluated: 2025-03-22. Review status: criteria provided, single submitter. Criteria: Quest Diagnostics criteria. Collection method: clinical testing. Allele origin: unknown.

GeneDx
Classification: Uncertain significance. Last evaluated: 2024-03-27. Review status: criteria provided, single submitter. Criteria: GeneDx Variant Classification Process June 2021. Collection method: clinical testing. Allele origin: germline. Affected: yes.
Comment: Not observed at significant frequency in large population cohorts (gnomAD); In silico analysis supports that this missense variant does not alter protein structure/function; Has not been previously published as pathogenic or benign to our knowledge

Labcorp Genetics (formerly Invitae), Labcorp
Classification: Uncertain significance for Ataxia-telangiectasia syndrome. Last evaluated: 2023-09-22. Review status: criteria provided, single submitter. Criteria: Invitae Variant Classification Sherloc (09022015). Collection method: clinical testing. Allele origin: germline.
Comment: In summary, the available evidence is currently insufficient to determine the role of this variant in disease. Therefore, it has been classified as a Variant of Uncertain Significance. An algorithm developed to predict the effect of missense changes on protein structure and function (PolyPhen-2) suggests that this variant¬†is likely to be tolerated. ClinVar contains an entry for this variant (Variation ID: 824794). This variant has not been reported in the literature in individuals affected with ATM-related conditions. This variant is not present in population databases (gnomAD no frequency). This sequence change replaces isoleucine, which is neutral and non-polar, with threonine, which is neutral and polar, at codon 1441 of the ATM protein (p.Ile1441Thr).

Ambry Genetics
Classification: Uncertain significance for Hereditary cancer-predisposing syndrome. Last evaluated: 2022-07-11. Review status: criteria provided, single submitter. Criteria: Ambry Variant Classification Scheme 2023. Collection method: clinical testing. Allele origin: germline.
Comment: The p.I1441T variant (also known as c.4322T>C), located in coding exon 28 of the ATM gene, results from a T to C substitution at nucleotide position 4322. The isoleucine at codon 1441 is replaced by threonine, an amino acid with similar properties. This amino acid position is not well conserved in available vertebrate species. In addition, the in silico prediction for this alteration is inconclusive. Since supporting evidence is limited at this time, the clinical significance of this alteration remains unclear.

Natera, Inc.
Classification: Uncertain significance for Ataxia-telangiectasia. Last evaluated: 2020-09-09. Review status: no assertion criteria provided. Collection method: clinical testing. Allele origin: germline. Not counted in ClinVar's aggregate classification.

NM_000051.4(ATM):c.4322T>C (p.Ile1441Thr)

Gene: ATM (ATM serine/threonine kinase; plus strand). Cytogenetic location: 11q22.3.
Variant type: single nucleotide variant.
Coding change: c.4322T>C on transcript NM_000051.4 (MANE Select); coding-DNA position 4322, T replaced by C.
Protein change: p.Ile1441Thr; replaces isoleucine 1441 with threonine.
Molecular consequence: missense variant.
Genome position (GRCh38, 1-based): chr11:108,289,687, T>C. VCF-style: chr11-108289687-T-C. GRCh37 (hg19) VCF-style: chr11-108160414-T-C.
Other names: c.4322T>C, p.Ile1441Thr (NM_001351834.2); short protein forms I1441T.
Identifiers: ClinVar variation 824794 (VCV000824794.19), dbSNP rs1469317936, ClinGen allele CA382531835.